The following is an entry in ClinVar:

ClinVar aggregate classification (germline): Benign. Review status: criteria provided, single submitter (1 of 4 stars). 2 submissions from 1 submitter: Benign (2). Last evaluated 2018-01-23.

Conditions:
Isolated focal cortical dysplasia type II (FCORD2). Also called: CORTICAL DYSPLASIA OF TAYLOR; Focal cortical dysplasia type II. Identifiers: Orphanet 268994, MedGen C1846385, MONDO:0011818, OMIM 607341, HP:0032051.
Tuberous sclerosis 1 (TSC1). Identifiers: Orphanet 805, MedGen C1854465, MONDO:0008612, OMIM 191100.

Allele frequency attached by ClinVar (database versions not stated): gnomAD exomes 0.00627; gnomAD 0.02426 and 0.02584; 1000 Genomes Project 0.02656; TOPMed 0.02798; 1000 Genomes Project 30x 0.02826.
gnomAD v4.1: 4,216 of 234,302 alleles (1.8%); highest among the groups gnomAD compares: African/African-American, 8.1%; 147 homozygotes.

Submissions (2):

Illumina Laboratory Services, Illumina
Classification: Benign for Tuberous sclerosis 1. Last evaluated: 2018-01-23. Review status: criteria provided, single submitter. Criteria: ICSL Variant Classification Criteria 13 December 2019. Collection method: clinical testing. Allele origin: germline.
Comment: This variant was observed as part of a predisposition screen in an ostensibly healthy population. A literature search was performed for the gene, cDNA change, and amino acid change (where applicable). No publications were found based on this search. Allele frequency data from public databases was too high to be consistent with this variant causing disease. Therefore, this variant is classified as benign.

Illumina Laboratory Services, Illumina
Classification: Benign for Isolated focal cortical dysplasia type II. Last evaluated: 2018-01-23. Review status: criteria provided, single submitter. Criteria: ICSL Variant Classification Criteria 13 December 2019. Collection method: clinical testing. Allele origin: germline.
Comment: the same text as in the submission from Illumina Laboratory Services, Illumina above.

NM_000368.5(TSC1):c.*682C>T

Gene: TSC1 (TSC complex subunit 1; minus strand). Cytogenetic location: 9q34.13.
Variant type: single nucleotide variant.
Coding change: c.*682C>T on transcript NM_000368.5 (MANE Select); 682 bases downstream of the stop codon, C replaced by T.
Molecular consequence: 3 prime UTR variant.
Genome position (GRCh38, 1-based): chr9:132,895,553, G>A on the plus strand (C>T on the coding strand, the complement: TSC1 is on the minus strand). VCF-style: chr9-132895553-G-A. GRCh37 (hg19) VCF-style: chr9-135770940-G-A.
Other names: c.*682C>T (NM_001162426.2, NM_001162427.2, NM_001362177.2).
Identifiers: ClinVar variation 365491 (VCV000365491.5), dbSNP rs75252898, ClinGen allele CA10626705.
Genomic context (GRCh38, chr9:132,895,553, plus strand): 5'-AACACCAAATAAATAAGAGGTAGTGGGGGAAGAAGAGACAAGAGCTTTCCCAAAGGGTGT[G>A]TGGTCTCCACAGTGCCAGCTCCAGATTTCTGAAACAGGCTTCTGTTTACACAGAACTTTC-3'